The following is an entry in ClinVar:

ClinVar aggregate classification (germline): Uncertain significance (1 of 4 stars; one submission).

Conditions:
Singleton-Merten syndrome 1 (SGMRT1). Also called: Widened medullary cavities of bone, aortic calcification, abnormal dentition, and muscular weakness; Syndrome of widened medullary cavities of the metacarpals and phalanges, aortic calcification and abnormal dentition. Identifiers: Orphanet 85191, MedGen C4225427, MONDO:0024535, OMIM 182250.
Aicardi-Goutieres syndrome 7 (AGS7). Identifiers: Orphanet 51, MedGen C3888244, MONDO:0014367, OMIM 615846.

Allele frequency attached by ClinVar (database versions not stated): gnomAD exomes below 0.00001.
gnomAD v4.1: 3 of 1,605,428 alleles (0.00019%); highest among the groups gnomAD compares: Admixed American, 0.0017%; no homozygotes.

Submission:

Labcorp Genetics (formerly Invitae), Labcorp
Classification: Uncertain significance for Aicardi-Goutieres syndrome 7; Singleton-Merten syndrome 1. Last evaluated: 2025-10-06. Review status: criteria provided, single submitter. Criteria: Invitae Variant Classification Sherloc (09022015). Collection method: clinical testing. Allele origin: germline.
Comment: This sequence change affects codon 768 of the IFIH1 mRNA. It is a 'silent' change, meaning that it does not change the encoded amino acid sequence of the IFIH1 protein. This variant also falls at the last nucleotide of exon 11, which is part of the consensus splice site for this exon. This variant is present in population databases (no rsID available, gnomAD 0.0009%). This variant has not been reported in the literature in individuals affected with IFIH1-related conditions. ClinVar contains an entry for this variant (Variation ID: 2924199). Variants that disrupt the consensus splice site are a relatively common cause of aberrant splicing (PMID: 17576681, 9536098). Algorithms developed to predict the effect of sequence changes on RNA splicing suggest that this variant may disrupt the consensus splice site. In summary, the available evidence is currently insufficient to determine the role of this variant in disease. Therefore, it has been classified as a Variant of Uncertain Significance.

Literature cited by the submitters: PubMed 17576681; PubMed 9536098.

NM_022168.4(IFIH1):c.2304G>A (p.Gln768=)

Gene: IFIH1 (interferon induced with helicase C domain 1; minus strand). Cytogenetic location: 2q24.2.
Variant type: single nucleotide variant.
Coding change: c.2304G>A on transcript NM_022168.4 (MANE Select); coding-DNA position 2304, G replaced by A.
Protein change: p.Gln768=; no amino-acid change (glutamine 768 retained).
Molecular consequence: synonymous variant.
Genome position (GRCh38, 1-based): chr2:162,276,687, C>T on the plus strand (G>A on the coding strand, the complement: IFIH1 is on the minus strand). VCF-style: chr2-162276687-C-T. GRCh37 (hg19) VCF-style: chr2-163133197-C-T.
Identifiers: ClinVar variation 2924199 (VCV002924199.3), dbSNP rs1441869349, ClinGen allele CA429534502.
Genomic context (GRCh38, chr2:162,276,687, plus strand): 5'-GAGAAGAGAAGAAGAAAAGAGAAAGAAAAGAAAAGAAGTCGTCCAAAAGGATATTTATAC[C>T]TGTGTCATGGGTTTGAACTCACTGCTGTGTCCAGCTCCAATCAGATGGTGGGCTTTGACT-3'
Protein context (NP_071451.2, residues 758-778): GHSSEFKPMT[Gln768=]NEQKEVISKF